The following is an entry in ClinVar:

NM_031483.7(ITCH):c.1569+1G>T

Gene: ITCH (itchy E3 ubiquitin protein ligase; plus strand). Cytogenetic location: 20q11.22.
Variant type: single nucleotide variant.
Coding change: c.1569+1G>T on transcript NM_031483.7 (MANE Select); the canonical splice donor site of the intron after coding-DNA position 1569, G replaced by T.
Molecular consequence: splice donor variant.
Genome position (GRCh38, 1-based): chr20:34,471,516, G>T. VCF-style: chr20-34471516-G-T. GRCh37 (hg19) VCF-style: chr20-33059321-G-T.
Other names: c.1692+1G>T (NM_001324197.2, NM_001257137.3); c.1569+1G>T (NM_001324198.2); c.1239+1G>T (NM_001257138.3).
Identifiers: ClinVar variation 2117941 (VCV002117941.4), dbSNP rs2515819804, ClinGen allele CA408668285.

ClinVar aggregate classification (germline): Likely pathogenic (1 of 4 stars; one submission).

Conditions:
Syndromic multisystem autoimmune disease due to ITCH deficiency. Also called: AUTOIMMUNE DISEASE, MULTISYSTEM, WITH FACIAL DYSMORPHISM. Identifiers: Orphanet 228426, MedGen C3150649, MONDO:0013245, OMIM 613385.

Submission:

Labcorp Genetics (formerly Invitae), Labcorp
Classification: Likely pathogenic for Syndromic multisystem autoimmune disease due to ITCH deficiency. Last evaluated: 2023-10-30. Review status: criteria provided, single submitter. Criteria: Invitae Variant Classification Sherloc (09022015). Collection method: clinical testing. Allele origin: germline.
Comment: This sequence change affects a donor splice site in intron 16 of the ITCH gene. It is expected to disrupt RNA splicing. Variants that disrupt the donor or acceptor splice site typically lead to a loss of protein function (PMID: 16199547), and loss-of-function variants in ITCH are known to be pathogenic (PMID: 20170897). This variant is not present in population databases (gnomAD no frequency). Disruption of this splice site has been observed in individual(s) with clinical features of ITCH-related conditions (Invitae). ClinVar contains an entry for this variant (Variation ID: 2117941). Algorithms developed to predict the effect of sequence changes on RNA splicing suggest that this variant may disrupt the consensus splice site. In summary, the currently available evidence indicates that the variant is pathogenic, but additional data are needed to prove that conclusively. Therefore, this variant has been classified as Likely Pathogenic.

Literature cited by the submitters: PubMed 16199547; PubMed 20170897.